The following is an entry in ClinVar:

NM_001372076.1(PAX9):c.*902G>A

Gene: PAX9 (paired box 9; plus strand). Cytogenetic location: 14q13.3.
Variant type: single nucleotide variant.
Coding change: c.*902G>A on transcript NM_001372076.1 (MANE Select); 902 bases downstream of the stop codon, G replaced by A.
Molecular consequence: 3 prime UTR variant.
Genome position (GRCh38, 1-based): chr14:36,677,354, G>A. VCF-style: chr14-36677354-G-A. GRCh37 (hg19) VCF-style: chr14-37146559-G-A.
Other names: c.*902G>A (NM_006194.4).
Identifiers: ClinVar variation 313185 (VCV000313185.5), dbSNP rs568062234, ClinGen allele CA10640181.

ClinVar aggregate classification (germline): Likely benign (1 of 4 stars; one submission).

Conditions:
Tooth agenesis, selective, 3 (STHAG3). Also called: HYPODONTIA/OLIGODONTIA 3. Identifiers: Orphanet 99798, MedGen C1970291, MONDO:0011477, OMIM 604625. Disease mechanism: loss of function.

Allele frequency attached by ClinVar (database versions not stated): gnomAD 0.00025; TOPMed 0.00032; 1000 Genomes Project 30x 0.00047; 1000 Genomes Project 0.00160.
gnomAD v4.1: 39 of 152,192 alleles (0.026%); highest among the groups gnomAD compares: African/African-American, 0.072%; no homozygotes.

Submission:

Illumina Laboratory Services, Illumina
Classification: Likely benign for Tooth agenesis, selective, 3. Last evaluated: 2018-01-13. Review status: criteria provided, single submitter. Criteria: ICSL Variant Classification Criteria 13 December 2019. Collection method: clinical testing. Allele origin: germline.
Comment: This variant was observed in the ICSL laboratory as part of a predisposition screen in an ostensibly healthy population. It had not been previously curated by ICSL or reported in the Human Gene Mutation Database (HGMD: prior to June 1st, 2018), and was therefore a candidate for classification through an automated scoring system. Utilizing variant allele frequency, disease prevalence and penetrance estimates, and inheritance mode, an automated score was calculated to assess if this variant is too frequent to cause the disease. Based on the score and internal cut-off values, a variant classified as likely benign is not then subjected to further curation. The score for this variant resulted in a classification of likely benign for this disease.